The following is an entry in ClinVar:

ClinVar aggregate classification (germline): Benign/Likely benign. Review status: criteria provided, multiple submitters, no conflicts (2 of 4 stars). 8 submissions from 8 submitters: Benign (1); Likely benign (3). 4 of the submissions do not count toward it. Last evaluated 2026-01-30.

Conditions:
PCCA-related disorder. Also called: PCCA-related condition.
Propionic acidemia (PROP). Also called: GLYCINEMIA, KETOTIC; HYPERGLYCINEMIA WITH KETOACIDOSIS AND LEUKOPENIA; KETOTIC HYPERGLYCINEMIA. Identifiers: Orphanet 35, MedGen C0268579, MONDO:0011628, OMIM 606054, HP:0003571.

Allele frequency attached by ClinVar (database versions not stated): 1000 Genomes Project 30x 0.00016; gnomAD exomes 0.00071 and 0.00143; TOPMed 0.00073; ExAC 0.00077; gnomAD 0.00081 and 0.00087; ESP Exome Variant Server 0.00152.

Submissions (8):

Labcorp Genetics (formerly Invitae), Labcorp
Classification: Likely benign for Propionic acidemia. Last evaluated: 2026-01-30. Review status: criteria provided, single submitter. Criteria: Invitae Variant Classification Sherloc (09022015). Collection method: clinical testing. Allele origin: germline.

Blueprint Genetics
Classification: Likely benign. Last evaluated: 2024-11-20. Review status: criteria provided, single submitter. Criteria: ACMG Guidelines, 2015. Collection method: clinical testing. Allele origin: germline.

Mayo Clinic Laboratories, Mayo Clinic
Classification: Benign. Last evaluated: 2023-12-05. Review status: criteria provided, single submitter. Criteria: ACMG Guidelines, 2015. Collection method: clinical testing. Allele origin: germline. Observed: 3 variant alleles.
Comment: BS1, BS2, BP4, BP7

GeneDx
Classification: Likely benign. Last evaluated: 2017-03-31. Review status: criteria provided, single submitter. Criteria: GeneDx Variant Classification (06012015). Collection method: clinical testing. Allele origin: germline. Affected: yes.
Comment: This variant is considered likely benign or benign based on one or more of the following criteria: it is a conservative change, it occurs at a poorly conserved position in the protein, it is predicted to be benign by multiple in silico algorithms, and/or has population frequency not consistent with disease.

PreventionGenetics, part of Exact Sciences
Classification: Likely benign for PCCA-related condition. Last evaluated: 2022-04-13. Review status: no assertion criteria provided. Collection method: clinical testing. Allele origin: germline. Not counted in ClinVar's aggregate classification.
Comment: This variant is classified as likely benign based on ACMG/AMP sequence variant interpretation guidelines (Richards et al. 2015 PMID: 25741868, with internal and published modifications).

Natera, Inc.
Classification: Uncertain significance for Propionic acidemia. Last evaluated: 2020-04-17. Review status: no assertion criteria provided. Collection method: clinical testing. Allele origin: germline. Not counted in ClinVar's aggregate classification.

Clinical Genetics DNA and cytogenetics Diagnostics Lab, Erasmus MC, Erasmus Medical Center
Classification: Likely benign. Review status: no assertion criteria provided. Collection method: clinical testing. Allele origin: germline. Affected: yes. Study: VKGL Data-share Consensus. Not counted in ClinVar's aggregate classification.

Genome Diagnostics Laboratory, University Medical Center Utrecht
Classification: Likely benign. Review status: no assertion criteria provided. Collection method: clinical testing. Allele origin: germline. Affected: yes. Study: VKGL Data-share Consensus. Not counted in ClinVar's aggregate classification.

NM_000282.4(PCCA):c.2040+11dup

Gene: PCCA (propionyl-CoA carboxylase subunit alpha; plus strand). Cytogenetic location: 13q32.3.
Variant type: Duplication.
Coding change: c.2040+11dup on transcript NM_000282.4 (MANE Select); 11 bases into the intron after coding-DNA position 2040, one base duplicated (T; older notation c.2040+11dupT).
Molecular consequence: intron variant.
Genome position (GRCh38, 1-based): chr13:100,515,578, T duplicated. VCF-style (leftmost placement, unchanged base first): chr13-100515577-G-GT. GRCh37 (hg19) VCF-style: chr13-101167831-G-GT.
Other names: p.?; c.1900-12097dup (NM_001178004.2); c.1986+11dup (NM_001352605.2); c.1896+11dup (NM_001352606.2); c.1095+11dup (NM_001352610.2); c.1041+11dup (NM_001352611.2); c.951+11dup (NM_001352612.2); c.1962+11dup (NM_001127692.3); and 3 more.
Identifiers: ClinVar variation 310850 (VCV000310850.19), dbSNP rs779884567, ClinGen allele CA7033879.